The following is an entry in ClinVar:

NM_001367624.2(ZNF469):c.6751A>G (p.Arg2251Gly)

Gene: ZNF469 (zinc finger protein 469; plus strand). Cytogenetic location: 16q24.2.
Variant type: single nucleotide variant.
Coding change: c.6751A>G on transcript NM_001367624.2 (MANE Select); coding-DNA position 6751, A replaced by G.
Protein change: p.Arg2251Gly; replaces arginine 2251 with glycine.
Molecular consequence: missense variant.
Genome position (GRCh38, 1-based): chr16:88,434,221, A>G. VCF-style: chr16-88434221-A-G. GRCh37 (hg19) VCF-style: chr16-88500629-A-G.
Other names: NM_001127464.1:c.6667A>G; NM_001127464.2:c.6667A>G; short protein forms R2251G.
Identifiers: ClinVar variation 2075213 (VCV002075213.3), dbSNP rs1019345995, ClinGen allele CA286381923.

ClinVar aggregate classification (germline): Conflicting classifications of pathogenicity. Review status: criteria provided, conflicting classifications (1 of 4 stars). 3 submissions from 3 submitters: Uncertain significance (1); Benign (1); Likely benign (1). Last evaluated 2026-01-02.

Conditions:
Cardiovascular phenotype. Identifiers: MedGen CN230736.
ZNF469-related disorder. Also called: ZNF469-related condition.

Allele frequency attached by ClinVar (database versions not stated): gnomAD exomes 0.00001; TOPMed 0.00004; gnomAD 0.00009; 1000 Genomes Project 30x 0.00031.
gnomAD v4.1: 34 of 1,550,378 alleles (0.0022%); highest among the groups gnomAD compares: East Asian, 0.081%; no homozygotes.

Submissions (3):

PreventionGenetics, part of Exact Sciences
Classification: Likely benign for ZNF469-related condition. Last evaluated: 2026-01-02. Review status: criteria provided, single submitter. Criteria: ACMG Guidelines, 2015. Collection method: clinical testing. Allele origin: germline.
Comment: This variant is classified as likely benign based on ACMG/AMP sequence variant interpretation guidelines (Richards et al. 2015 PMID: 25741868, with internal and published modifications).

Ambry Genetics
Classification: Benign for Cardiovascular phenotype. Last evaluated: 2024-01-02. Review status: criteria provided, single submitter. Criteria: Ambry Variant Classification Scheme 2023. Collection method: clinical testing. Allele origin: germline.

Labcorp Genetics (formerly Invitae), Labcorp
Classification: Uncertain significance. Last evaluated: 2022-08-24. Review status: criteria provided, single submitter. Criteria: Invitae Variant Classification Sherloc (09022015). Collection method: clinical testing. Allele origin: germline.
Comment: This sequence change replaces arginine, which is basic and polar, with glycine, which is neutral and non-polar, at codon 2223 of the ZNF469 protein (p.Arg2223Gly). This variant is present in population databases (no rsID available, gnomAD 0.2%). This variant has not been reported in the literature in individuals affected with ZNF469-related conditions. Algorithms developed to predict the effect of missense changes on protein structure and function output the following: SIFT: "Tolerated"; PolyPhen-2: "Benign"; Align-GVGD: "Class C0". The glycine amino acid residue is found in multiple mammalian species, which suggests that this missense change does not adversely affect protein function. In summary, the available evidence is currently insufficient to determine the role of this variant in disease. Therefore, it has been classified as a Variant of Uncertain Significance.